The following is an entry in ClinVar:

NM_000218.3(KCNQ1):c.1251+13C>T

Gene: KCNQ1 (potassium voltage-gated channel subfamily Q member 1; plus strand). Cytogenetic location: 11p15.5.
Variant type: single nucleotide variant.
Coding change: c.1251+13C>T on transcript NM_000218.3 (MANE Select); 13 bases into the intron after coding-DNA position 1251, C replaced by T.
Molecular consequence: intron variant.
Genome position (GRCh38, 1-based): chr11:2,587,705, C>T. VCF-style: chr11-2587705-C-T. GRCh37 (hg19) VCF-style: chr11-2608935-C-T.
Other names: c.981+13C>T (NM_001406837.1); c.1155+13C>T (NM_001406836.1); c.711+13C>T (NM_001406838.1); c.870+13C>T (NM_181798.2).
Identifiers: ClinVar variation 304220 (VCV000304220.16), dbSNP rs201364493, ClinGen allele CA027925.
Genomic context (GRCh38, chr11:2,587,705, plus strand): 5'-AGCCACACTCTGCTGTCACCCAGCCCCAAACCCAAGAAGTCTGTGGTGGTGAGTAGCCCA[C>T]CTGCCACCAGGGCAGGGCCTTCTTGCTAGCAGGTGGGGAGGCCGTGGGGGCCGCAGCACG-3'

ClinVar aggregate classification (germline): Likely benign. Review status: criteria provided, multiple submitters, no conflicts (2 of 4 stars). 4 submissions from 4 submitters: Likely benign (4). Last evaluated 2025-11-23.

Conditions:
Long QT syndrome (LQTS). Identifiers: MedGen C0023976, MeSH D008133, MONDO:0002442. Disease mechanism: loss of function. Inheritance: Various modes of inheritance.

Allele frequency attached by ClinVar (database versions not stated): TOPMed 0.00015; ESP Exome Variant Server 0.00023.
gnomAD v4.1: 33 of 1,613,456 alleles (0.002%); highest among the groups gnomAD compares: African/African-American, 0.037%; no homozygotes.

Submissions (4):

Labcorp Genetics (formerly Invitae), Labcorp
Classification: Likely benign for Long QT syndrome. Last evaluated: 2025-11-23. Review status: criteria provided, single submitter. Criteria: Invitae Variant Classification Sherloc (09022015). Collection method: clinical testing. Allele origin: germline.

Blueprint Genetics
Classification: Likely benign. Last evaluated: 2024-09-11. Review status: criteria provided, single submitter. Criteria: ACMG Guidelines, 2015. Collection method: clinical testing. Allele origin: germline.

ARUP Laboratories, Molecular Genetics and Genomics, ARUP Laboratories
Classification: Likely benign. Last evaluated: 2024-07-30. Review status: criteria provided, single submitter. Criteria: ARUP Molecular Germline Variant Investigation Process 2024. Collection method: clinical testing. Allele origin: germline.

GeneDx
Classification: Likely benign. Last evaluated: 2017-04-26. Review status: criteria provided, single submitter. Criteria: GeneDx Variant Classification (06012015). Collection method: clinical testing. Allele origin: germline. Affected: yes.
Comment: This variant is considered likely benign or benign based on one or more of the following criteria: it is a conservative change, it occurs at a poorly conserved position in the protein, it is predicted to be benign by multiple in silico algorithms, and/or has population frequency not consistent with disease.